The following is an entry in ClinVar:

NM_000075.4(CDK4):c.11C>A (p.Ser4Tyr)

Gene: CDK4 (cyclin dependent kinase 4; minus strand). Cytogenetic location: 12q14.1.
Variant type: single nucleotide variant.
Coding change: c.11C>A on transcript NM_000075.4 (MANE Select); coding-DNA position 11, C replaced by A.
Protein change: p.Ser4Tyr; replaces serine 4 with tyrosine.
Molecular consequence: missense variant.
Genome position (GRCh38, 1-based): chr12:57,751,707, G>T on the plus strand (C>A on the coding strand, the complement: CDK4 is on the minus strand). VCF-style: chr12-57751707-G-T. GRCh37 (hg19) VCF-style: chr12-58145490-G-T.
Other names: short protein forms S4Y.
Identifiers: ClinVar variation 953461 (VCV000953461.10), dbSNP rs1227101024, ClinGen allele CA385549328.

ClinVar aggregate classification (germline): Uncertain significance. Review status: criteria provided, multiple submitters, no conflicts (2 of 4 stars). 2 submissions from 2 submitters: Uncertain significance (2). Last evaluated 2024-02-28.

Conditions:
Familial melanoma. Also called: Hereditary melanoma; Hereditary cutaneous melanoma. Identifiers: Orphanet 618, MedGen C1512419, MONDO:0018961.
Melanoma, cutaneous malignant, susceptibility to, 3. Also called: Cutaneous malignant melanoma 3. Identifiers: Orphanet 618, MedGen C1836892, MONDO:0012183, OMIM 609048.

gnomAD v4.1: 1 of 1,614,138 alleles (0.000062%); highest among the groups gnomAD compares: East Asian, 0.0022%; no homozygotes.

Submissions (2):

Fulgent Genetics
Classification: Uncertain significance for Melanoma, cutaneous malignant, susceptibility to, 3. Last evaluated: 2024-02-28. Review status: criteria provided, single submitter. Criteria: ACMG Guidelines, 2015. Collection method: clinical testing. Allele origin: germline.

Labcorp Genetics (formerly Invitae), Labcorp
Classification: Uncertain significance for Familial melanoma. Last evaluated: 2019-08-30. Review status: criteria provided, single submitter. Criteria: Invitae Variant Classification Sherloc (09022015). Collection method: clinical testing. Allele origin: germline.
Comment: This sequence change replaces serine with tyrosine at codon 4 of the CDK4 protein (p.Ser4Tyr). The serine residue is weakly conserved and there is a large physicochemical difference between serine and tyrosine. This variant is not present in population databases (ExAC no frequency). This variant has not been reported in the literature in individuals with CDK4-related conditions. Algorithms developed to predict the effect of missense changes on protein structure and function (SIFT, PolyPhen-2, Align-GVGD) all suggest that this variant is likely to be tolerated, but these predictions have not been confirmed by published functional studies and their clinical significance is uncertain. In summary, the available evidence is currently insufficient to determine the role of this variant in disease. Therefore, it has been classified as a Variant of Uncertain Significance.